The following is an entry in ClinVar:

ClinVar aggregate classification (germline): Uncertain significance (1 of 4 stars; one submission).

Conditions:
Charcot-Marie-Tooth Neuropathy X. Identifiers: MedGen CN118851.

Submission:

Labcorp Genetics (formerly Invitae), Labcorp
Classification: Uncertain significance for Charcot-Marie-Tooth Neuropathy X. Last evaluated: 2019-09-03. Review status: criteria provided, single submitter. Criteria: Invitae Variant Classification Sherloc (09022015). Collection method: clinical testing. Allele origin: germline.
Comment: This sequence change replaces leucine with serine at codon 6 of the GJB1 protein (p.Leu6Ser). The leucine residue is moderately conserved and there is a large physicochemical difference between leucine and serine. This variant is not present in population databases (ExAC no frequency). This variant has been observed in an individual affected with Charcot-Marie-Tooth disease (PMID: 27844031). This variant has been reported to affect GJB1 protein function (PMID: 27844031). In summary, the available evidence is currently insufficient to determine the role of this variant in disease. Therefore, it has been classified as a Variant of Uncertain Significance.

Literature cited by the submitters: PubMed 27844031.

NM_000166.6(GJB1):c.17T>C (p.Leu6Ser)

Gene: GJB1 (gap junction protein beta 1; plus strand). Cytogenetic location: Xq13.1.
Variant type: single nucleotide variant.
Coding change: c.17T>C on transcript NM_000166.6 (MANE Select); coding-DNA position 17, T replaced by C.
Protein change: p.Leu6Ser; replaces leucine 6 with serine.
Molecular consequence: missense variant.
Genome position (GRCh38, 1-based): chrX:71,223,724, T>C. VCF-style: chrX-71223724-T-C. GRCh37 (hg19) VCF-style: chrX-70443574-T-C.
Other names: c.17T>C, p.Leu6Ser (NM_001097642.3); short protein forms L6S.
Identifiers: ClinVar variation 937967 (VCV000937967.1), dbSNP rs2092541936, ClinGen allele CA413499331.
Genomic context (GRCh38, chrX:71,223,724, plus strand): 5'-AGCTTGCTTCATGGCTGGTGTTTTGCAGGTGTGAATGAGGCAGGATGAACTGGACAGGTT[T>C]GTACACCTTGCTCAGTGGCGTGAACCGGCATTCTACTGCCATTGGCCGAGTATGGCTCTC-3'
Protein context (NP_000157.1, residues 1-16): MNWTG[Leu6Ser]YTLLSGVNRH